The following is an entry in ClinVar:

ClinVar aggregate classification (germline): Uncertain significance (1 of 4 stars; one submission).

Conditions:
Peroxisome biogenesis disorder 12A (Zellweger). Also called: Peroxisome biogenesis disorder 12A. Identifiers: Orphanet 912, MedGen C3554002, MONDO:0013951, OMIM 614886.

Submission:

Labcorp Genetics (formerly Invitae), Labcorp
Classification: Uncertain significance for Peroxisome biogenesis disorder 12A (Zellweger). Last evaluated: 2022-08-19. Review status: criteria provided, single submitter. Criteria: Invitae Variant Classification Sherloc (09022015). Collection method: clinical testing. Allele origin: germline.
Comment: This sequence change replaces proline, which is neutral and non-polar, with threonine, which is neutral and polar, at codon 212 of the PEX19 protein (p.Pro212Thr). This variant is not present in population databases (gnomAD no frequency). This variant has not been reported in the literature in individuals affected with PEX19-related conditions. Algorithms developed to predict the effect of missense changes on protein structure and function (SIFT, PolyPhen-2, Align-GVGD) all suggest that this variant is likely to be tolerated. In summary, the available evidence is currently insufficient to determine the role of this variant in disease. Therefore, it has been classified as a Variant of Uncertain Significance.

NM_002857.4(PEX19):c.634C>A (p.Pro212Thr)

Gene: PEX19 (peroxisomal biogenesis factor 19; minus strand). Cytogenetic location: 1q23.2.
Variant type: single nucleotide variant.
Coding change: c.634C>A on transcript NM_002857.4 (MANE Select); coding-DNA position 634, C replaced by A.
Protein change: p.Pro212Thr; replaces proline 212 with threonine.
Molecular consequence: missense variant. On other transcripts: non-coding transcript variant (2).
Genome position (GRCh38, 1-based): chr1:160,280,207, G>T on the plus strand (C>A on the coding strand, the complement: PEX19 is on the minus strand). VCF-style: chr1-160280207-G-T. GRCh37 (hg19) VCF-style: chr1-160249997-G-T.
Other names: c.634C>A, p.Pro212Thr (NM_001193644.1); short protein forms P212T.
Identifiers: ClinVar variation 1716802 (VCV001716802.5), dbSNP rs2525305175, ClinGen allele CA343258044.
Genomic context (GRCh38, chr1:160,280,207, plus strand): 5'-ACTGCTCACATATTTTGCACATGACGCTGTGCTGCTCCTGATATTTTTCAAACTGCTCTG[G>T]AGGTAGAGATTCCCGATGACTCTGCAACCATTCTGGATACTAAGAAAAGAGAGAATGGGT-3'
Protein context (NP_002848.1, residues 202-222): WLQSHRESLP[Pro212Thr]EQFEKYQEQH